The following is an entry in ClinVar:

NM_001378778.1(MPDZ):c.2187A>C (p.Ile729=)

Gene: MPDZ (multiple PDZ domain crumbs cell polarity complex component; minus strand). Cytogenetic location: 9p23.
Variant type: single nucleotide variant.
Coding change: c.2187A>C on transcript NM_001378778.1 (MANE Select); coding-DNA position 2187, A replaced by C.
Protein change: p.Ile729=; no amino-acid change (isoleucine 729 retained).
Molecular consequence: synonymous variant.
Genome position (GRCh38, 1-based): chr9:13,188,961, T>G on the plus strand (A>C on the coding strand, the complement: MPDZ is on the minus strand). VCF-style: chr9-13188961-T-G. GRCh37 (hg19) VCF-style: chr9-13188960-T-G.
Other names: c.2187A>C (NM_003829.4); c.2187A>C, p.Ile729= (NM_001261406.2, NM_001261407.2, NM_001330637.2 and 14 more transcripts).
Identifiers: ClinVar variation 2970493 (VCV002970493.5), dbSNP rs1255473049, ClinGen allele CA463864175.
Genomic context (GRCh38, chr9:13,188,961, plus strand): 5'-GTCACCAGGAAGAAGTCGTCCATCCTTTTCAGCAATGCCGCCAGGCACCAAAGAACGAAT[T>G]ATAATCACAGTGCTTGCTGGATCAATTGGATCCTGACAGAAGGCAAAAGGAAAGAGTCAG-3'
Protein context (NP_001365707.1, residues 719-739): DPIDPASTVI[Ile729=]IRSLVPGGIA

ClinVar aggregate classification (germline): Likely benign. Review status: criteria provided, single submitter (1 of 4 stars). 2 submissions from 2 submitters: Likely benign (1). 1 of the submissions does not count toward it. Last evaluated 2025-09-02.

Conditions:
MPDZ-related disorder. Also called: MPDZ-related condition.

Allele frequency attached by ClinVar (database versions not stated): gnomAD 0.00002; TOPMed below 0.00001; gnomAD exomes below 0.00001.
gnomAD v4.1: 6 of 1,613,254 alleles (0.00037%); highest among the groups gnomAD compares: Middle Eastern, 0.033%; no homozygotes.

Submissions (2):

Labcorp Genetics (formerly Invitae), Labcorp
Classification: Likely benign. Last evaluated: 2025-09-02. Review status: criteria provided, single submitter. Criteria: Invitae Variant Classification Sherloc (09022015). Collection method: clinical testing. Allele origin: germline.

PreventionGenetics, part of Exact Sciences
Classification: Likely benign for MPDZ-related condition. Last evaluated: 2019-02-21. Review status: no assertion criteria provided. Collection method: clinical testing. Allele origin: germline. Not counted in ClinVar's aggregate classification.
Comment: This variant is classified as likely benign based on ACMG/AMP sequence variant interpretation guidelines (Richards et al. 2015 PMID: 25741868, with internal and published modifications).